The following is an entry in ClinVar:

ClinVar aggregate classification (germline): Likely benign. Review status: criteria provided, multiple submitters, no conflicts (2 of 4 stars). 4 submissions from 4 submitters: Likely benign (3). 1 of the submissions does not count toward it. Last evaluated 2023-04-07.

Conditions:
Long QT syndrome (LQTS). Identifiers: MedGen C0023976, MeSH D008133, MONDO:0002442. Disease mechanism: loss of function. Inheritance: Various modes of inheritance.
Cardiovascular phenotype. Identifiers: MedGen CN230736.
AKAP9-related disorder. Also called: AKAP9-related condition.

Allele frequency attached by ClinVar (database versions not stated): gnomAD 0.00003; gnomAD exomes 0.00003 and 0.00006; TOPMed 0.00003; ExAC 0.00004.
gnomAD v4.1: 45 of 1,613,686 alleles (0.0028%); highest among the groups gnomAD compares: East Asian, 0.022%; no homozygotes.

Submissions (4):

Labcorp Genetics (formerly Invitae), Labcorp
Classification: Likely benign for Long QT syndrome. Last evaluated: 2023-04-07. Review status: criteria provided, single submitter. Criteria: Invitae Variant Classification Sherloc (09022015). Collection method: clinical testing. Allele origin: germline.

Ambry Genetics
Classification: Likely benign for Cardiovascular phenotype. Last evaluated: 2020-09-29. Review status: criteria provided, single submitter. Criteria: Ambry Variant Classification Scheme 2023. Collection method: clinical testing. Allele origin: germline.

Molecular Diagnostic Laboratory for Inherited Cardiovascular Disease, Montreal Heart Institute
Classification: Likely benign. Review status: criteria provided, single submitter. Criteria: ACMG Guidelines, 2015. Collection method: clinical testing. Allele origin: germline. Affected: yes.

PreventionGenetics, part of Exact Sciences
Classification: Likely benign for AKAP9-related condition. Last evaluated: 2021-10-27. Review status: no assertion criteria provided. Collection method: clinical testing. Allele origin: germline. Not counted in ClinVar's aggregate classification.
Comment: This variant is classified as likely benign based on ACMG/AMP sequence variant interpretation guidelines (Richards et al. 2015 PMID: 25741868, with internal and published modifications).

NM_005751.5(AKAP9):c.1203C>T (p.Val401=)

Gene: AKAP9 (A-kinase anchoring protein 9; plus strand). Cytogenetic location: 7q21.2.
Variant type: single nucleotide variant.
Coding change: c.1203C>T on transcript NM_005751.5 (MANE Select); coding-DNA position 1203, C replaced by T.
Protein change: p.Val401=; no amino-acid change (valine 401 retained).
Molecular consequence: synonymous variant.
Genome position (GRCh38, 1-based): chr7:92,001,120, C>T. VCF-style: chr7-92001120-C-T. GRCh37 (hg19) VCF-style: chr7-91630434-C-T.
Other names: c.1203C>T, p.Val401= (NM_147185.3).
Identifiers: ClinVar variation 684836 (VCV000684836.17), dbSNP rs748951815, ClinGen allele CA4335976.